The following is an entry in ClinVar:

ClinVar aggregate classification (germline): Uncertain significance (1 of 4 stars; one submission).

Allele frequency attached by ClinVar (database versions not stated): TOPMed below 0.00001; ExAC 0.00001; gnomAD 0.00001; gnomAD exomes 0.00001.
gnomAD v4.1: 11 of 1,613,818 alleles (0.00068%); highest among the groups gnomAD compares: South Asian, 0.0022%; no homozygotes.

Submission:

Labcorp Genetics (formerly Invitae), Labcorp
Classification: Uncertain significance. Last evaluated: 2024-10-07. Review status: criteria provided, single submitter. Criteria: Invitae Variant Classification Sherloc (09022015). Collection method: clinical testing. Allele origin: germline.
Comment: This sequence change replaces glycine, which is neutral and non-polar, with arginine, which is basic and polar, at codon 793 of the CNTNAP1 protein (p.Gly793Arg). This variant is present in population databases (rs756769687, gnomAD 0.006%). This variant has not been reported in the literature in individuals affected with CNTNAP1-related conditions. ClinVar contains an entry for this variant (Variation ID: 1346729). An algorithm developed to predict the effect of missense changes on protein structure and function (PolyPhen-2) suggests that this variant is likely to be disruptive. In summary, the available evidence is currently insufficient to determine the role of this variant in disease. Therefore, it has been classified as a Variant of Uncertain Significance.

NM_003632.3(CNTNAP1):c.2377G>A (p.Gly793Arg)

Gene: CNTNAP1 (contactin associated protein 1; plus strand). Cytogenetic location: 17q21.2.
Variant type: single nucleotide variant.
Coding change: c.2377G>A on transcript NM_003632.3 (MANE Select); coding-DNA position 2377, G replaced by A.
Protein change: p.Gly793Arg; replaces glycine 793 with arginine.
Molecular consequence: missense variant.
Genome position (GRCh38, 1-based): chr17:42,691,838, G>A. VCF-style: chr17-42691838-G-A. GRCh37 (hg19) VCF-style: chr17-40843856-G-A.
Other names: short protein forms G793R.
Identifiers: ClinVar variation 1346729 (VCV001346729.7), dbSNP rs756769687, ClinGen allele CA8582042.